The following is an entry in ClinVar:

NM_001042492.3(NF1):c.731-16T>C

Gene: NF1 (neurofibromin 1; plus strand). Cytogenetic location: 17q11.2.
Variant type: single nucleotide variant.
Coding change: c.731-16T>C on transcript NM_001042492.3 (MANE Select); 16 bases into the intron before coding-DNA position 731, T replaced by C.
Molecular consequence: intron variant.
Genome position (GRCh38, 1-based): chr17:31,182,492, T>C. VCF-style: chr17-31182492-T-C. GRCh37 (hg19) VCF-style: chr17-29509510-T-C.
Other names: c.731-16T>C (NM_000267.4, NM_001128147.3).
Identifiers: ClinVar variation 1589665 (VCV001589665.10), dbSNP rs1227193781, ClinGen allele CA728020917.

ClinVar aggregate classification (germline): Likely benign. Review status: criteria provided, multiple submitters, no conflicts (2 of 4 stars). 3 submissions from 3 submitters: Likely benign (3). Last evaluated 2026-09-22.

Conditions:
Juvenile myelomonocytic leukemia (JMML). Also called: LEUKEMIA, JUVENILE MYELOMONOCYTIC, SOMATIC. Identifiers: Orphanet 86834, MedGen C0349639, MONDO:0011908, OMIM 607785, HP:0012209.
Neurofibromatosis-Noonan syndrome (NFNS). Also called: NEUROFIBROMATOSIS WITH NOONAN PHENOTYPE. Identifiers: Orphanet 638, MedGen C2931482, MONDO:0011035, OMIM 601321. Disease mechanism: loss of function.
Café-au-lait macules with pulmonary stenosis (WTSN). Also called: PULMONIC STENOSIS WITH CAFE-AU-LAIT SPOTS. Identifiers: MedGen C0553586, MONDO:0008672, OMIM 193520.
Neurofibromatosis, familial spinal (FSNF). Identifiers: Orphanet 636, MedGen C1834235, MONDO:0008078, OMIM 162210. Disease mechanism: loss of function.
Neurofibromatosis, type 1 (NF1). Also called: NEUROFIBROMATOSIS, TYPE I, SOMATIC; Neurofibromatosis, type I; VON RECKLINGHAUSEN DISEASE; Peripheral type neurofibromatosis. Identifiers: Orphanet 636, MedGen C0027831, MONDO:0018975, OMIM 162200. Disease mechanism: loss of function.

Allele frequency attached by ClinVar (database versions not stated): TOPMed below 0.00001; gnomAD exomes below 0.00001.
gnomAD v4.1: 1 of 1,613,338 alleles (0.000062%); highest among the groups gnomAD compares: African/African-American, 0.0013%; no homozygotes.

Submissions (3):

Myriad Genetics, Inc.
Classification: Likely benign for Neurofibromatosis, type 1. Last evaluated: 2026-09-22. Review status: criteria provided, single submitter. Criteria: Myriad Autosomal Dominant, Autosomal Recessive and X-Linked Classification Criteria (2023). Collection method: clinical testing. Allele origin: unknown.
Comment: This variant is considered likely benign. This variant is intronic and is not expected to impact mRNA splicing.

Labcorp Genetics (formerly Invitae), Labcorp
Classification: Likely benign for Neurofibromatosis, type 1. Last evaluated: 2025-09-16. Review status: criteria provided, single submitter. Criteria: Invitae Variant Classification Sherloc (09022015). Collection method: clinical testing. Allele origin: germline.

Fulgent Genetics
Classification: Likely benign for Neurofibromatosis, type 1; Neurofibromatosis, familial spinal; Café-au-lait macules with pulmonary stenosis; Neurofibromatosis-Noonan syndrome; Juvenile myelomonocytic leukemia. Last evaluated: 2021-08-16. Review status: criteria provided, single submitter. Criteria: ACMG Guidelines, 2015. Collection method: clinical testing. Allele origin: unknown.